The following is an entry in ClinVar:

NM_032119.4(ADGRV1):c.9028A>G (p.Ile3010Val)

Gene: ADGRV1 (adhesion G protein-coupled receptor V1; plus strand). Cytogenetic location: 5q14.3.
Variant type: single nucleotide variant.
Coding change: c.9028A>G on transcript NM_032119.4 (MANE Select); coding-DNA position 9028, A replaced by G.
Protein change: p.Ile3010Val; replaces isoleucine 3010 with valine.
Molecular consequence: missense variant. On other transcripts: non-coding transcript variant (1).
Genome position (GRCh38, 1-based): chr5:90,711,308, A>G. VCF-style: chr5-90711308-A-G. GRCh37 (hg19) VCF-style: chr5-90007125-A-G.
Other names: short protein forms I3010V.
Identifiers: ClinVar variation 1967198 (VCV001967198.5), dbSNP rs2531148373, ClinGen allele CA360396058.

ClinVar aggregate classification (germline): Uncertain significance (1 of 4 stars; one submission).

Allele frequency attached by ClinVar (database versions not stated): gnomAD exomes below 0.00001.
gnomAD v4.1: 1 of 1,609,796 alleles (0.000062%); highest among the groups gnomAD compares: Non-Finnish European, 0.000085%; no homozygotes.

Submission:

Labcorp Genetics (formerly Invitae), Labcorp
Classification: Uncertain significance. Last evaluated: 2022-08-20. Review status: criteria provided, single submitter. Criteria: Invitae Variant Classification Sherloc (09022015). Collection method: clinical testing. Allele origin: germline.
Comment: Algorithms developed to predict the effect of missense changes on protein structure and function output the following: SIFT: "Tolerated"; PolyPhen-2: "Benign"; Align-GVGD: "Class C0". The valine amino acid residue is found in multiple mammalian species, which suggests that this missense change does not adversely affect protein function. This sequence change replaces isoleucine, which is neutral and non-polar, with valine, which is neutral and non-polar, at codon 3010 of the ADGRV1 protein (p.Ile3010Val). This variant is not present in population databases (gnomAD no frequency). This variant has not been reported in the literature in individuals affected with ADGRV1-related conditions. In summary, the available evidence is currently insufficient to determine the role of this variant in disease. Therefore, it has been classified as a Variant of Uncertain Significance.